The following is an entry in ClinVar:

NM_006379.5(SEMA3C):c.441A>G (p.Arg147=)

Gene: SEMA3C (semaphorin 3C; minus strand). Cytogenetic location: 7q21.11.
Variant type: single nucleotide variant.
Coding change: c.441A>G on transcript NM_006379.5 (MANE Select); coding-DNA position 441, A replaced by G.
Protein change: p.Arg147=; no amino-acid change (arginine 147 retained).
Molecular consequence: synonymous variant.
Genome position (GRCh38, 1-based): chr7:80,818,305, T>C on the plus strand (A>G on the coding strand, the complement: SEMA3C is on the minus strand). VCF-style: chr7-80818305-T-C. GRCh37 (hg19) VCF-style: chr7-80447621-T-C.
Other names: c.495A>G, p.Arg165= (NM_001350120.2); c.267A>G, p.Arg89= (NM_001350121.2).
Identifiers: ClinVar variation 3054091 (VCV003054091.2), dbSNP rs139820166, ClinGen allele CA4316447.

ClinVar aggregate classification (germline): Likely benign (0 of 4 stars; one submission).

Conditions:
SEMA3C-related disorder. Also called: SEMA3C-related condition.

Allele frequency attached by ClinVar (database versions not stated): gnomAD exomes below 0.00001; ExAC 0.00003; TOPMed 0.00008; gnomAD 0.00009; 1000 Genomes Project 30x 0.00016; 1000 Genomes Project 0.00020; ESP Exome Variant Server 0.00023.
gnomAD v4.1: 16 of 1,606,058 alleles (0.001%); highest among the groups gnomAD compares: African/African-American, 0.02%; no homozygotes.

Submission:

PreventionGenetics, part of Exact Sciences
Classification: Likely benign for SEMA3C-related condition. Last evaluated: 2023-10-11. Review status: no assertion criteria provided. Collection method: clinical testing. Allele origin: germline.
Comment: This variant is classified as likely benign based on ACMG/AMP sequence variant interpretation guidelines (Richards et al. 2015 PMID: 25741868, with internal and published modifications).